The following is an entry in ClinVar:

NM_003482.4(KMT2D):c.9338C>G (p.Ser3113Cys)

Gene: KMT2D (lysine methyltransferase 2D; minus strand). Cytogenetic location: 12q13.12.
Variant type: single nucleotide variant.
Coding change: c.9338C>G on transcript NM_003482.4 (MANE Select); coding-DNA position 9338, C replaced by G.
Protein change: p.Ser3113Cys; replaces serine 3113 with cysteine.
Molecular consequence: missense variant.
Genome position (GRCh38, 1-based): chr12:49,038,018, G>C on the plus strand (C>G on the coding strand, the complement: KMT2D is on the minus strand). VCF-style: chr12-49038018-G-C. GRCh37 (hg19) VCF-style: chr12-49431801-G-C.
Other names: short protein forms S3113C.
Identifiers: ClinVar variation 3614691 (VCV003614691.2).

ClinVar aggregate classification (germline): Uncertain significance (1 of 4 stars; one submission).

Conditions:
Kabuki syndrome. Also called: NIIKAWA-KUROKI SYNDROME; Kabuki make-up syndrome. Identifiers: Orphanet 2322, MedGen C0796004, MONDO:0016512.

Submission:

Labcorp Genetics (formerly Invitae), Labcorp
Classification: Uncertain significance for Kabuki syndrome. Last evaluated: 2024-06-24. Review status: criteria provided, single submitter. Criteria: Invitae Variant Classification Sherloc (09022015). Collection method: clinical testing. Allele origin: germline.
Comment: This sequence change replaces serine, which is neutral and polar, with cysteine, which is neutral and slightly polar, at codon 3113 of the KMT2D protein (p.Ser3113Cys). This variant is not present in population databases (gnomAD no frequency). This variant has not been reported in the literature in individuals affected with KMT2D-related conditions. Advanced modeling of protein sequence and biophysical properties (such as structural, functional, and spatial information, amino acid conservation, physicochemical variation, residue mobility, and thermodynamic stability) performed at Invitae indicates that this missense variant is not expected to disrupt KMT2D protein function with a negative predictive value of 95%. In summary, the available evidence is currently insufficient to determine the role of this variant in disease. Therefore, it has been classified as a Variant of Uncertain Significance.